The following is an entry in ClinVar:

ClinVar aggregate classification (germline): Likely benign (1 of 4 stars; one submission).

gnomAD v4.1: 115 of 1,542,030 alleles (0.0075%); highest among the groups gnomAD compares: African/African-American, 0.12%; no homozygotes.

Submission:

CeGaT Center for Human Genetics Tuebingen
Classification: Likely benign. Last evaluated: 2026-01-01. Review status: criteria provided, single submitter. Criteria: CeGaT Center For Human Genetics Tuebingen Variant Classification Criteria Version 2. Collection method: clinical testing. Allele origin: germline. Affected: yes. Observed: 1 variant allele.
Comment: POLR2F: BP4, BP7

NM_001301131.2(POLR2F):c.293+19047C>T

Genes: POLR2F (RNA polymerase II, I and III subunit F; plus strand), LOC110120893 (VISTA enhancer hs564; plus strand). Cytogenetic location: 22q13.1.
Variant type: single nucleotide variant.
Coding change: c.293+19047C>T on transcript NM_001301131.2; 19047 bases into the intron after coding-DNA position 293, C replaced by T.
Molecular consequence: intron variant. On other transcripts: synonymous variant (1).
Genome position (GRCh38, 1-based): chr22:37,986,217, C>T. VCF-style: chr22-37986217-C-T. GRCh37 (hg19) VCF-style: chr22-38382224-C-T.
Other names: c.357C>T, p.Asp119= (NM_001301130.2); c.*38+13907C>T (NM_001363825.1).
Identifiers: ClinVar variation 4821230 (VCV004821230.4).